The following is an entry in ClinVar:

ClinVar aggregate classification (germline): Benign/Likely benign. Review status: criteria provided, multiple submitters, no conflicts (2 of 4 stars). 5 submissions from 5 submitters: Benign (1); Likely benign (1). 3 of the submissions do not count toward it. Last evaluated 2025-05-30.

Conditions:
Intellectual disability. Also called: Intellectual developmental disorder; intellectual disabilities; Intellectual functioning disability. Identifiers: MedGen C3714756, MeSH D008607, MONDO:0001071, HP:0001249.

Allele frequency attached by ClinVar (database versions not stated): gnomAD 0.00005 and 0.00006; ExAC 0.00006; gnomAD exomes 0.00007; TOPMed 0.00008; ESP Exome Variant Server 0.00019.
gnomAD v4.1: 81 of 1,207,239 alleles (0.0067%); highest among the groups gnomAD compares: Non-Finnish European, 0.0089%; no homozygotes.

Submissions (5):

Labcorp Genetics (formerly Invitae), Labcorp
Classification: Benign. Last evaluated: 2025-05-30. Review status: criteria provided, single submitter. Criteria: Invitae Variant Classification Sherloc (09022015). Collection method: clinical testing. Allele origin: germline.

CeGaT Center for Human Genetics Tuebingen
Classification: Likely benign. Last evaluated: 2025-05-01. Review status: criteria provided, single submitter. Criteria: CeGaT Center For Human Genetics Tuebingen Variant Classification Criteria Version 2. Collection method: clinical testing. Allele origin: germline. Affected: yes. Observed: 2 variant alleles.
Comment: HUWE1: PP2, BS2

Centre de Biologie Pathologie Génétique, Centre Hospitalier Universitaire de Lille
Classification: Likely benign for Intellectual disability. Last evaluated: 2019-01-01. Review status: no assertion criteria provided. Collection method: clinical testing. Allele origin: inherited. Affected: yes. Not counted in ClinVar's aggregate classification.

Genome Diagnostics Laboratory, Amsterdam University Medical Center
Classification: Uncertain significance. Review status: no assertion criteria provided. Collection method: clinical testing. Allele origin: germline. Affected: yes. Study: VKGL Data-share Consensus. Not counted in ClinVar's aggregate classification.

Laboratory of Diagnostic Genome Analysis, Leiden University Medical Center (LUMC)
Classification: Uncertain significance. Review status: no assertion criteria provided. Collection method: clinical testing. Allele origin: germline. Affected: yes. Study: VKGL Data-share Consensus. Not counted in ClinVar's aggregate classification.

NM_031407.7(HUWE1):c.2387A>T (p.Gln796Leu)

Gene: HUWE1 (HECT, UBA and WWE domain containing E3 ubiquitin protein ligase 1; minus strand). Cytogenetic location: Xp11.22.
Variant type: single nucleotide variant.
Coding change: c.2387A>T on transcript NM_031407.7 (MANE Select); coding-DNA position 2387, A replaced by T.
Protein change: p.Gln796Leu; replaces glutamine 796 with leucine.
Molecular consequence: missense variant.
Genome position (GRCh38, 1-based): chrX:53,607,632, T>A on the plus strand (A>T on the coding strand, the complement: HUWE1 is on the minus strand). VCF-style: chrX-53607632-T-A. GRCh37 (hg19) VCF-style: chrX-53634593-T-A.
Other names: short protein forms Q796L.
Identifiers: ClinVar variation 975244 (VCV000975244.18), dbSNP rs140366563, ClinGen allele CA10422721.